The following is an entry in ClinVar:

ClinVar aggregate classification (germline): Uncertain significance (1 of 4 stars; one submission).

Submission:

Labcorp Genetics (formerly Invitae), Labcorp
Classification: Uncertain significance. Last evaluated: 2022-08-31. Review status: criteria provided, single submitter. Criteria: Invitae Variant Classification Sherloc (09022015). Collection method: clinical testing. Allele origin: germline.
Comment: This sequence change replaces methionine, which is neutral and non-polar, with threonine, which is neutral and polar, at codon 863 of the PACS2 protein (p.Met863Thr). This variant is not present in population databases (gnomAD no frequency). This variant has not been reported in the literature in individuals affected with PACS2-related conditions. ClinVar contains an entry for this variant (Variation ID: 1382510). Algorithms developed to predict the effect of missense changes on protein structure and function are either unavailable or do not agree on the potential impact of this missense change (SIFT: "Tolerated"; PolyPhen-2: "Probably Damaging"; Align-GVGD: "Class C0"). In summary, the available evidence is currently insufficient to determine the role of this variant in disease. Therefore, it has been classified as a Variant of Uncertain Significance.

NM_001100913.3(PACS2):c.2588T>C (p.Met863Thr)

Gene: PACS2 (phosphofurin acidic cluster sorting protein 2; plus strand). Cytogenetic location: 14q32.33.
Variant type: single nucleotide variant.
Coding change: c.2588T>C on transcript NM_001100913.3 (MANE Select); coding-DNA position 2588, T replaced by C.
Protein change: p.Met863Thr; replaces methionine 863 with threonine.
Molecular consequence: missense variant.
Genome position (GRCh38, 1-based): chr14:105,393,327, T>C. VCF-style: chr14-105393327-T-C. GRCh37 (hg19) VCF-style: chr14-105859664-T-C.
Other names: c.2318T>C, p.Met773Thr (NM_001243127.3); c.2543T>C, p.Met848Thr (NM_015197.4); short protein forms M863T, M773T, M848T.
Identifiers: ClinVar variation 1382510 (VCV001382510.6), dbSNP rs2141320661, ClinGen allele CA391189999.
Genomic context (GRCh38, chr14:105,393,327, plus strand): 5'-AGAGCCAGTGCATTGAGGGCATCAGCCGGCTCATCTGCACTGCCAGGCAGCAGCAGAACA[T>C]GCTGCGGGGTGAGCACCACCGGCCCCGGGGTCTGTAGAGTGGGACGTAGGTGAGAGCACA-3'
Protein context (NP_001094383.2, residues 853-873): LICTARQQQN[Met863Thr]LRVLIDGVEC